The following is an entry in ClinVar:

NM_001378457.1(DMXL2):c.3321T>A (p.Phe1107Leu)

Gene: DMXL2 (Dmx like 2; minus strand). Cytogenetic location: 15q21.2.
Variant type: single nucleotide variant.
Coding change: c.3321T>A on transcript NM_001378457.1 (MANE Select); coding-DNA position 3321, T replaced by A.
Protein change: p.Phe1107Leu; replaces phenylalanine 1107 with leucine.
Molecular consequence: missense variant. On other transcripts: non-coding transcript variant (2), intron variant (2).
Genome position (GRCh38, 1-based): chr15:51,499,903, A>T on the plus strand (T>A on the coding strand, the complement: DMXL2 is on the minus strand). VCF-style: chr15-51499903-A-T. GRCh37 (hg19) VCF-style: chr15-51792100-A-T.
Other names: c.3321T>A, p.Phe1107Leu (NM_001174116.3, NM_001378458.1, NM_001378459.1 and 4 more transcripts); c.3081T>A, p.Phe1027Leu (NM_001378464.1); c.2764+7231T>A (NM_001378460.1); c.2765-4769T>A (NM_001174117.3); short protein forms F1027L, F1107L.
Identifiers: ClinVar variation 2819057 (VCV002819057.3), dbSNP rs2548509420, ClinGen allele CA392436760.

ClinVar aggregate classification (germline): Uncertain significance (1 of 4 stars; one submission).

Submission:

Labcorp Genetics (formerly Invitae), Labcorp
Classification: Uncertain significance. Last evaluated: 2024-05-06. Review status: criteria provided, single submitter. Criteria: Invitae Variant Classification Sherloc (09022015). Collection method: clinical testing. Allele origin: germline.
Comment: This sequence change replaces phenylalanine, which is neutral and non-polar, with leucine, which is neutral and non-polar, at codon 1107 of the DMXL2 protein (p.Phe1107Leu). This variant is not present in population databases (gnomAD no frequency). This variant has not been reported in the literature in individuals affected with DMXL2-related conditions. An algorithm developed to predict the effect of missense changes on protein structure and function (PolyPhen-2) suggests that this variant is likely to be tolerated. In summary, the available evidence is currently insufficient to determine the role of this variant in disease. Therefore, it has been classified as a Variant of Uncertain Significance.